The following is an entry in ClinVar:

NM_006648.4(WNK2):c.3635A>G (p.Lys1212Arg)

Gene: WNK2 (WNK lysine deficient protein kinase 2; plus strand). Cytogenetic location: 9q22.31.
Variant type: single nucleotide variant.
Coding change: c.3635A>G on transcript NM_006648.4 (MANE Select); coding-DNA position 3635, A replaced by G.
Protein change: p.Lys1212Arg; replaces lysine 1212 with arginine.
Molecular consequence: missense variant.
Genome position (GRCh38, 1-based): chr9:93,263,972, A>G. VCF-style: chr9-93263972-A-G. GRCh37 (hg19) VCF-style: chr9-96026254-A-G.
Other names: c.3635A>G, p.Lys1212Arg (NM_001282394.3); short protein forms K1212R.
Identifiers: ClinVar variation 2541507 (VCV002541507.3), dbSNP rs142000432, ClinGen allele CA5130027.

ClinVar aggregate classification (germline): Uncertain significance (1 of 4 stars; one submission).

Allele frequency attached by ClinVar (database versions not stated): gnomAD exomes below 0.00001; gnomAD 0.00001; TOPMed 0.00002; ExAC 0.00003; ESP Exome Variant Server 0.00008.
gnomAD v4.1: 2 of 1,613,614 alleles (0.00012%); highest among the groups gnomAD compares: Non-Finnish European, 0.00017%; no homozygotes.

Submission:

Ambry Genetics
Classification: Uncertain significance. Last evaluated: 2024-11-22. Review status: criteria provided, single submitter. Criteria: Ambry Variant Classification Scheme 2023. Collection method: clinical testing. Allele origin: germline.
Comment: The p.K1212R variant (also known as c.3635A>G), located in coding exon 15 of the WNK2 gene, results from an A to G substitution at nucleotide position 3635. The lysine at codon 1212 is replaced by arginine, an amino acid with highly similar properties. This amino acid position is conserved. In addition, this alteration is predicted to be tolerated by in silico analysis. Based on the available evidence, the clinical significance of this variant remains unclear.